The following is an entry in ClinVar:

NM_003183.6(ADAM17):c.433G>A (p.Ala145Thr)

Gene: ADAM17 (ADAM metallopeptidase domain 17; minus strand). Cytogenetic location: 2p25.1.
Variant type: single nucleotide variant.
Coding change: c.433G>A on transcript NM_003183.6 (MANE Select); coding-DNA position 433, G replaced by A.
Protein change: p.Ala145Thr; replaces alanine 145 with threonine.
Molecular consequence: missense variant. On other transcripts: 5 prime UTR variant (2).
Genome position (GRCh38, 1-based): chr2:9,535,851, C>T on the plus strand (G>A on the coding strand, the complement: ADAM17 is on the minus strand). VCF-style: chr2-9535851-C-T. GRCh37 (hg19) VCF-style: chr2-9675980-C-T.
Other names: c.-248G>A (NM_001382777.1); c.-490G>A (NM_001382778.1); short protein forms A145T.
Identifiers: ClinVar variation 1431260 (VCV001431260.5), dbSNP rs777284700, ClinGen allele CA1523774.

ClinVar aggregate classification (germline): Uncertain significance (1 of 4 stars; one submission).

Conditions:
Inflammatory skin and bowel disease, neonatal, 1. Identifiers: Orphanet 294023, MedGen C3280501, MONDO:0013693, OMIM 614328.

Allele frequency attached by ClinVar (database versions not stated): gnomAD 0.00001; gnomAD exomes 0.00002; TOPMed 0.00002; ExAC 0.00004.
gnomAD v4.1: 27 of 1,598,884 alleles (0.0017%); highest among the groups gnomAD compares: East Asian, 0.0023%; no homozygotes.

Submission:

Labcorp Genetics (formerly Invitae), Labcorp
Classification: Uncertain significance for Inflammatory skin and bowel disease, neonatal, 1. Last evaluated: 2024-10-07. Review status: criteria provided, single submitter. Criteria: Invitae Variant Classification Sherloc (09022015). Collection method: clinical testing. Allele origin: germline.
Comment: This sequence change replaces alanine, which is neutral and non-polar, with threonine, which is neutral and polar, at codon 145 of the ADAM17 protein (p.Ala145Thr). This variant is present in population databases (rs777284700, gnomAD 0.006%). This variant has not been reported in the literature in individuals affected with ADAM17-related conditions. ClinVar contains an entry for this variant (Variation ID: 1431260). An algorithm developed to predict the effect of missense changes on protein structure and function (PolyPhen-2) suggests that this variant is likely to be tolerated. In summary, the available evidence is currently insufficient to determine the role of this variant in disease. Therefore, it has been classified as a Variant of Uncertain Significance.